The following is an entry in ClinVar:

ClinVar aggregate classification (germline): Uncertain significance (1 of 4 stars; one submission).

Conditions:
WDPCP-related disorder. Also called: WDPCP-related condition.

Submission:

PreventionGenetics, part of Exact Sciences
Classification: Uncertain significance for WDPCP-related condition. Last evaluated: 2026-01-22. Review status: criteria provided, single submitter. Criteria: ACMG Guidelines, 2015. Collection method: clinical testing. Allele origin: germline.
Comment: The WDPCP c.1720G>A variant is predicted to result in the amino acid substitution p.Ala574Thr. To our knowledge, this variant has not been reported in the literature or in a large population database (gnomAD), indicating this variant is rare. At this time, the clinical significance of this variant is uncertain due to the absence of conclusive functional and genetic evidence.

NM_015910.7(WDPCP):c.1720G>A (p.Ala574Thr)

Gene: WDPCP (WD repeat containing planar cell polarity effector; minus strand). Cytogenetic location: 2p15.
Variant type: single nucleotide variant.
Coding change: c.1720G>A on transcript NM_015910.7 (MANE Select); coding-DNA position 1720, G replaced by A.
Protein change: p.Ala574Thr; replaces alanine 574 with threonine.
Molecular consequence: missense variant. On other transcripts: non-coding transcript variant (3).
Genome position (GRCh38, 1-based): chr2:63,378,414, C>T on the plus strand (G>A on the coding strand, the complement: WDPCP is on the minus strand). VCF-style: chr2-63378414-C-T. GRCh37 (hg19) VCF-style: chr2-63605549-C-T.
Other names: c.1243G>A, p.Ala415Thr (NM_001042692.3); c.1648G>A, p.Ala550Thr (NM_001354044.2); c.1720G>A, p.Ala574Thr (NM_001354045.2); short protein forms A415T, A574T, A550T.
Identifiers: ClinVar variation 4990874 (VCV004990874.1).